The following is an entry in ClinVar:

NM_015331.3(NCSTN):c.465G>T (p.Glu155Asp)

Gene: NCSTN (nicastrin; plus strand). Cytogenetic location: 1q23.2.
Variant type: single nucleotide variant.
Coding change: c.465G>T on transcript NM_015331.3 (MANE Select); coding-DNA position 465, G replaced by T.
Protein change: p.Glu155Asp; replaces glutamic acid 155 with aspartic acid.
Molecular consequence: missense variant.
Genome position (GRCh38, 1-based): chr1:160,350,133, G>T. VCF-style: chr1-160350133-G-T. GRCh37 (hg19) VCF-style: chr1-160319923-G-T.
Other names: c.405G>T, p.Glu135Asp (NM_001290184.2); c.465G>T, p.Glu155Asp (NM_001290186.2, NM_001349729.2); short protein forms E135D, E155D.
Identifiers: ClinVar variation 1985853 (VCV001985853.4), dbSNP rs750479163, ClinGen allele CA1198732.

ClinVar aggregate classification (germline): Uncertain significance (1 of 4 stars; one submission).

Allele frequency attached by ClinVar (database versions not stated): TOPMed below 0.00001; ExAC 0.00001; gnomAD exomes 0.00001.
gnomAD v4.1: 3 of 1,614,084 alleles (0.00019%); highest among the groups gnomAD compares: Admixed American, 0.005%; no homozygotes.

Submission:

Labcorp Genetics (formerly Invitae), Labcorp
Classification: Uncertain significance. Last evaluated: 2024-04-10. Review status: criteria provided, single submitter. Criteria: Invitae Variant Classification Sherloc (09022015). Collection method: clinical testing. Allele origin: germline.
Comment: This sequence change replaces glutamic acid, which is acidic and polar, with aspartic acid, which is acidic and polar, at codon 155 of the NCSTN protein (p.Glu155Asp). This variant is present in population databases (rs750479163, gnomAD 0.006%). This variant has not been reported in the literature in individuals affected with NCSTN-related conditions. ClinVar contains an entry for this variant (Variation ID: 1985853). An algorithm developed to predict the effect of missense changes on protein structure and function (PolyPhen-2) suggests that this variant is likely to be tolerated. In summary, the available evidence is currently insufficient to determine the role of this variant in disease. Therefore, it has been classified as a Variant of Uncertain Significance.